The following is an entry in ClinVar:

NM_004612.4(TGFBR1):c.13G>A (p.Val5Ile)

Genes: TGFBR1 (transforming growth factor beta receptor 1; plus strand), LOC130002223 (ATAC-STARR-seq lymphoblastoid silent region 20124; plus strand). Cytogenetic location: 9q22.33.
Variant type: single nucleotide variant.
Coding change: c.13G>A on transcript NM_004612.4 (MANE Select); coding-DNA position 13, G replaced by A.
Protein change: p.Val5Ile; replaces valine 5 with isoleucine.
Molecular consequence: missense variant.
Genome position (GRCh38, 1-based): chr9:99,105,218, G>A. VCF-style: chr9-99105218-G-A. GRCh37 (hg19) VCF-style: chr9-101867500-G-A.
Other names: c.13G>A, p.Val5Ile (NM_001130916.3, NM_001306210.2); short protein forms V5I.
Identifiers: ClinVar variation 1392891 (VCV001392891.6), dbSNP rs2118163054, ClinGen allele CA374223483.
Genomic context (GRCh38, chr9:99,105,218, plus strand): 5'-AGCGGCGCGGCCGGGCCGGGCCGGGCCACAGGCGGTGGCGGCGGGACCATGGAGGCGGCG[G>A]TCGCTGCTCCGCGTCCCCGGCTGCTCCTCCTCGTGCTGGCGGCGGCGGCGGCGGCGGCGG-3'
Protein context (NP_004603.1, residues 1-15): MEAA[Val5Ile]AAPRPRLLLL

ClinVar aggregate classification (germline): Uncertain significance (1 of 4 stars; one submission).

Conditions:
Familial thoracic aortic aneurysm and aortic dissection (TAAD). Also called: Thoracic aortic aneurysms and dissections. Identifiers: Orphanet 91387, MedGen C4707243, MONDO:0019625.

Submission:

Labcorp Genetics (formerly Invitae), Labcorp
Classification: Uncertain significance for Familial thoracic aortic aneurysm and aortic dissection. Last evaluated: 2021-11-12. Review status: criteria provided, single submitter. Criteria: Invitae Variant Classification Sherloc (09022015). Collection method: clinical testing. Allele origin: germline.
Comment: In summary, the available evidence is currently insufficient to determine the role of this variant in disease. Therefore, it has been classified as a Variant of Uncertain Significance. Advanced modeling of protein sequence and biophysical properties (such as structural, functional, and spatial information, amino acid conservation, physicochemical variation, residue mobility, and thermodynamic stability) performed at Invitae indicates that this missense variant is not expected to disrupt TGFBR1 protein function. This variant has not been reported in the literature in individuals affected with TGFBR1-related conditions. The frequency data for this variant in the population databases is considered unreliable, as metrics indicate insufficient coverage at this position in the gnomAD database. This sequence change replaces valine, which is neutral and non-polar, with isoleucine, which is neutral and non-polar, at codon 5 of the TGFBR1 protein (p.Val5Ile).